The following is an entry in ClinVar:

NM_003900.5(SQSTM1):c.1069C>G (p.Gln357Glu)

Gene: SQSTM1 (sequestosome 1; plus strand). Cytogenetic location: 5q35.3.
Variant type: single nucleotide variant.
Coding change: c.1069C>G on transcript NM_003900.5 (MANE Select); coding-DNA position 1069, C replaced by G.
Protein change: p.Gln357Glu; replaces glutamine 357 with glutamic acid.
Molecular consequence: missense variant.
Genome position (GRCh38, 1-based): chr5:179,833,686, C>G. VCF-style: chr5-179833686-C-G. GRCh37 (hg19) VCF-style: chr5-179260686-C-G.
Other names: c.817C>G, p.Gln273Glu (NM_001142298.2, NM_001142299.2); short protein forms Q273E, Q357E.
Identifiers: ClinVar variation 1498798 (VCV001498798.8), dbSNP rs2113512735, ClinGen allele CA362452727.

ClinVar aggregate classification (germline): Uncertain significance (1 of 4 stars; one submission).

Conditions:
Frontotemporal dementia and/or amyotrophic lateral sclerosis 1 (FTDALS1). Also called: C9orf72 Frontotemporal Dementia and/or Amyotrophic Lateral Sclerosis; Frontotemporal dementia with motor neuron disease 1. Identifiers: Orphanet 275872, MedGen C5779877, MONDO:0007105, OMIM 105550.
Paget disease of bone 2, early-onset (PDB2). Also called: Paget disease of bone 2. Identifiers: MedGen C4085251, MONDO:0011183, OMIM 602080.

Submission:

Labcorp Genetics (formerly Invitae), Labcorp
Classification: Uncertain significance for Paget disease of bone 2, early-onset; Frontotemporal dementia and/or amyotrophic lateral sclerosis 1. Last evaluated: 2021-05-27. Review status: criteria provided, single submitter. Criteria: Invitae Variant Classification Sherloc (09022015). Collection method: clinical testing. Allele origin: germline.
Comment: In summary, the available evidence is currently insufficient to determine the role of this variant in disease. Therefore, it has been classified as a Variant of Uncertain Significance. This sequence change replaces glutamine with glutamic acid at codon 357 of the SQSTM1 protein (p.Gln357Glu). The glutamine residue is highly conserved and there is a small physicochemical difference between glutamine and glutamic acid. This variant is not present in population databases (ExAC no frequency). This variant has not been reported in the literature in individuals with SQSTM1-related conditions. Algorithms developed to predict the effect of missense changes on protein structure and function (SIFT, PolyPhen-2, Align-GVGD) all suggest that this variant is likely to be tolerated, but these predictions have not been confirmed by published functional studies and their clinical significance is uncertain.